The following is an entry in ClinVar:

NM_144687.4(NLRP12):c.393C>G (p.Asp131Glu)

Gene: NLRP12 (NLR family pyrin domain containing 12; minus strand). Cytogenetic location: 19q13.42.
Variant type: single nucleotide variant.
Coding change: c.393C>G on transcript NM_144687.4 (MANE Select); coding-DNA position 393, C replaced by G.
Protein change: p.Asp131Glu; replaces aspartic acid 131 with glutamic acid.
Molecular consequence: missense variant.
Genome position (GRCh38, 1-based): chr19:53,811,266, G>C on the plus strand (C>G on the coding strand, the complement: NLRP12 is on the minus strand). VCF-style: chr19-53811266-G-C. GRCh37 (hg19) VCF-style: chr19-54314520-G-C.
Other names: c.393C>G (NM_144687.2); c.393C>G, p.Asp131Glu (NM_001277126.2, NM_001277129.1); short protein forms D131E.
Identifiers: ClinVar variation 2420522 (VCV002420522.7), dbSNP rs372660692, ClinGen allele CA9639723.

ClinVar aggregate classification (germline): Uncertain significance. Review status: criteria provided, multiple submitters, no conflicts (2 of 4 stars). 2 submissions from 2 submitters: Uncertain significance (2). Last evaluated 2025-11-09.

Conditions:
Inborn genetic diseases. Identifiers: MedGen C0950123, MeSH D030342.
Familial cold autoinflammatory syndrome 2 (FCAS2). Identifiers: Orphanet 247868, MedGen C2673198, MONDO:0012724, OMIM 611762.

Allele frequency attached by ClinVar (database versions not stated): TOPMed 0.00003; ESP Exome Variant Server 0.00008.
gnomAD v4.1: 25 of 1,613,872 alleles (0.0015%); highest among the groups gnomAD compares: Non-Finnish European, 0.00034%; no homozygotes.

Submissions (2):

Labcorp Genetics (formerly Invitae), Labcorp
Classification: Uncertain significance for Familial cold autoinflammatory syndrome 2. Last evaluated: 2025-11-09. Review status: criteria provided, single submitter. Criteria: Invitae Variant Classification Sherloc (09022015). Collection method: clinical testing. Allele origin: germline.
Comment: This sequence change replaces aspartic acid, which is acidic and polar, with glutamic acid, which is acidic and polar, at codon 131 of the NLRP12 protein (p.Asp131Glu). This variant is present in population databases (rs372660692, gnomAD 0.05%). This variant has not been reported in the literature in individuals affected with NLRP12-related conditions. ClinVar contains an entry for this variant (Variation ID: 2420522). Invitae Evidence Modeling of protein sequence and biophysical properties (such as structural, functional, and spatial information, amino acid conservation, physicochemical variation, residue mobility, and thermodynamic stability) indicates that this missense variant is not expected to disrupt NLRP12 protein function with a negative predictive value of 80%. In summary, the available evidence is currently insufficient to determine the role of this variant in disease. Therefore, it has been classified as a Variant of Uncertain Significance.

Ambry Genetics
Classification: Uncertain significance for Inborn genetic diseases. Last evaluated: 2022-04-07. Review status: criteria provided, single submitter. Criteria: Ambry Variant Classification Scheme 2023. Collection method: clinical testing. Allele origin: germline.